The following is an entry in ClinVar:

NM_000336.3(SCNN1B):c.1849C>T (p.Pro617Ser)

Gene: SCNN1B (sodium channel epithelial 1 subunit beta; plus strand). Cytogenetic location: 16p12.2.
Variant type: single nucleotide variant.
Coding change: c.1849C>T on transcript NM_000336.3 (MANE Select); coding-DNA position 1849, C replaced by T.
Protein change: p.Pro617Ser; replaces proline 617 with serine.
Molecular consequence: missense variant.
Genome position (GRCh38, 1-based): chr16:23,380,727, C>T. VCF-style: chr16-23380727-C-T. GRCh37 (hg19) VCF-style: chr16-23392048-C-T.
Other names: P615S; short protein forms P617S.
Identifiers: ClinVar variation 8836 (VCV000008836.5), dbSNP rs137852708, ClinGen allele CA119961.

ClinVar aggregate classification (germline): Pathogenic/Likely pathogenic. Review status: criteria provided, multiple submitters, no conflicts (2 of 4 stars). 3 submissions from 3 submitters: Pathogenic (1); Likely pathogenic (1). 1 of the submissions does not count toward it. Last evaluated 2024-06-04.

Conditions:
Liddle syndrome 1 (LIDLS1). Also called: PSEUDOALDOSTERONISM. Identifiers: Orphanet 526, MedGen CN031472, MONDO:0020607, OMIM 177200.
Pseudohypoaldosteronism, type IB2, autosomal recessive (PHA1B2). Identifiers: MedGen C5774255, MONDO:0859317, OMIM 620125.
Bronchiectasis with or without elevated sweat chloride 1 (BESC1). Also called: Cystic Fibrosis-Like Syndrome. Identifiers: Orphanet 60033, MedGen C2749757, MONDO:0008887, OMIM 211400.

Allele frequency attached by ClinVar (database versions not stated): gnomAD exomes below 0.00001.
gnomAD v4.1: 1 of 1,612,148 alleles (0.000062%); highest among the groups gnomAD compares: Non-Finnish European, 0.000085%; no homozygotes.

Submissions (3):

Fulgent Genetics
Classification: Likely pathogenic for Liddle syndrome 1; Bronchiectasis with or without elevated sweat chloride 1; Pseudohypoaldosteronism, type IB2, autosomal recessive. Last evaluated: 2024-06-04. Review status: criteria provided, single submitter. Criteria: ACMG Guidelines, 2015. Collection method: clinical testing. Allele origin: germline.

Labcorp Genetics (formerly Invitae), Labcorp
Classification: Pathogenic. Last evaluated: 2023-01-01. Review status: criteria provided, single submitter. Criteria: Invitae Variant Classification Sherloc (09022015). Collection method: clinical testing. Allele origin: germline.
Comment: This sequence change replaces proline, which is neutral and non-polar, with serine, which is neutral and polar, at codon 617 of the SCNN1B protein (p.Pro617Ser). For these reasons, this variant has been classified as Pathogenic. This variant disrupts the p.Pro617 amino acid residue in SCNN1B. Other variant(s) that disrupt this residue have been determined to be pathogenic (PMID: 21525970, 25210634). This suggests that this residue is clinically significant, and that variants that disrupt this residue are likely to be disease-causing. Experimental studies have shown that this missense change affects SCNN1B function (PMID: 9626162). Algorithms developed to predict the effect of missense changes on protein structure and function are either unavailable or do not agree on the potential impact of this missense change (SIFT: "Tolerated"; PolyPhen-2: "Probably Damaging"; Align-GVGD: "Class C0"). ClinVar contains an entry for this variant (Variation ID: 8836). This variant is also known as p.Pro615Ser. This missense change has been observed in individuals with autosomal dominant Liddle syndrome (PMID: 9626162, 27896928). It has also been observed to segregate with disease in related individuals. This variant is not present in population databases (gnomAD no frequency).

OMIM
Classification: Pathogenic for LIDDLE SYNDROME 1. Last evaluated: 1998-06-01. Review status: no assertion criteria provided. Collection method: literature only. Allele origin: germline. Not counted in ClinVar's aggregate classification.

Literature cited by the submitters: PubMed 21525970 (cited by Labcorp Genetics (formerly Invitae), Labcorp); PubMed 25210634 (cited by Labcorp Genetics (formerly Invitae), Labcorp); PubMed 9626162 (cited by Labcorp Genetics (formerly Invitae), Labcorp and OMIM); PubMed 27896928 (cited by Labcorp Genetics (formerly Invitae), Labcorp).